The following is an entry in ClinVar:

NM_017739.4(POMGNT1):c.1457G>T (p.Arg486Leu)

Genes: POMGNT1 (protein O-linked mannose N-acetylglucosaminyltransferase 1 (beta 1,2-); minus strand), TSPAN1 (tetraspanin 1; plus strand). Cytogenetic location: 1p34.1.
Variant type: single nucleotide variant.
Coding change: c.1457G>T on transcript NM_017739.4 (MANE Select); coding-DNA position 1457, G replaced by T.
Protein change: p.Arg486Leu; replaces arginine 486 with leucine.
Molecular consequence: missense variant.
Genome position (GRCh38, 1-based): chr1:46,192,180, C>A on the plus strand (G>T on the coding strand, the complement: POMGNT1 is on the minus strand). VCF-style: chr1-46192180-C-A. GRCh37 (hg19) VCF-style: chr1-46657852-C-A.
Other names: c.1457G>T, p.Arg486Leu (NM_001410783.1, NM_001243766.2); c.1391G>T, p.Arg464Leu (NM_001290129.3); c.1028G>T, p.Arg343Leu (NM_001290130.2); short protein forms R486L, R343L, R464L.
Identifiers: ClinVar variation 291115 (VCV000291115.6), dbSNP rs753030030, ClinGen allele CA10607023.

ClinVar aggregate classification (germline): Uncertain significance. Review status: criteria provided, multiple submitters, no conflicts (2 of 4 stars). 2 submissions from 2 submitters: Uncertain significance (2). Last evaluated 2022-07-01.

Conditions:
Muscular dystrophy-dystroglycanopathy (congenital with impaired intellectual development), type B, 3. Also called: Muscular dystrophy-dystroglycanopathy (congenital with intellectual disability), type B3; MUSCULAR DYSTROPHY, CONGENITAL, POMGNT1-RELATED. Identifiers: MedGen C3150412, MONDO:0013155, OMIM 613151.
Autosomal recessive limb-girdle muscular dystrophy type 2O. Also called: MUSCULAR DYSTROPHY-DYSTROGLYCANOPATHY, LIMB-GIRDLE, POMGNT1-RELATED; Limb-Girdle Muscular Dystrophy Type 3C; MUSCULAR DYSTROPHY-DYSTROGLYCANOPATHY (LIMB-GIRDLE), TYPE C, 3. Identifiers: Orphanet 206564, MedGen C3150417, MONDO:0013161, OMIM 613157.

gnomAD v4.1: 1 of 1,614,196 alleles (0.000062%); highest among the groups gnomAD compares: Non-Finnish European, 0.000085%; no homozygotes.

Submissions (2):

Labcorp Genetics (formerly Invitae), Labcorp
Classification: Uncertain significance for Autosomal recessive limb-girdle muscular dystrophy type 2O; Muscular dystrophy-dystroglycanopathy (congenital with impaired intellectual development), type B, 3. Last evaluated: 2022-07-01. Review status: criteria provided, single submitter. Criteria: Invitae Variant Classification Sherloc (09022015). Collection method: clinical testing. Allele origin: germline.
Comment: This sequence change replaces arginine, which is basic and polar, with leucine, which is neutral and non-polar, at codon 486 of the POMGNT1 protein (p.Arg486Leu). This variant is not present in population databases (gnomAD no frequency). This variant has not been reported in the literature in individuals affected with POMGNT1-related conditions. ClinVar contains an entry for this variant (Variation ID: 291115). Advanced modeling of protein sequence and biophysical properties (such as structural, functional, and spatial information, amino acid conservation, physicochemical variation, residue mobility, and thermodynamic stability) performed at Invitae indicates that this missense variant is not expected to disrupt POMGNT1 protein function. In summary, the available evidence is currently insufficient to determine the role of this variant in disease. Therefore, it has been classified as a Variant of Uncertain Significance.

Eurofins Ntd Llc (ga)
Classification: Uncertain significance. Last evaluated: 2016-09-02. Review status: criteria provided, single submitter. Criteria: EGL Classification Definitions 2015. Collection method: clinical testing. Allele origin: germline. Observed: 1 variant allele, 1 heterozygote.